The following is an entry in ClinVar:

NM_005419.4(STAT2):c.1970C>G (p.Pro657Arg)

Gene: STAT2 (signal transducer and activator of transcription 2; minus strand). Cytogenetic location: 12q13.3.
Variant type: single nucleotide variant.
Coding change: c.1970C>G on transcript NM_005419.4 (MANE Select); coding-DNA position 1970, C replaced by G.
Protein change: p.Pro657Arg; replaces proline 657 with arginine.
Molecular consequence: missense variant.
Genome position (GRCh38, 1-based): chr12:56,346,516, G>C on the plus strand (C>G on the coding strand, the complement: STAT2 is on the minus strand). VCF-style: chr12-56346516-G-C. GRCh37 (hg19) VCF-style: chr12-56740300-G-C.
Other names: c.1958C>G, p.Pro653Arg (NM_198332.2); c.1937C>G, p.Pro646Arg (NM_001385110.1); c.1871C>G, p.Pro624Arg (NM_001385111.1); c.1970C>G, p.Pro657Arg (NM_001385113.1); c.1949C>G, p.Pro650Arg (NM_001385114.1); c.1928C>G, p.Pro643Arg (NM_001385115.1); short protein forms P624R, P643R, P646R, P650R, P653R, P657R.
Identifiers: ClinVar variation 1721098 (VCV001721098.5), dbSNP rs2547244592, ClinGen allele CA385259650.

ClinVar aggregate classification (germline): Uncertain significance (1 of 4 stars; one submission).

Conditions:
Primary immunodeficiency with post-measles-mumps-rubella vaccine viral infection. Also called: Immunodeficiency 44. Identifiers: Orphanet 431166, MedGen C4225260, MONDO:0014715, OMIM 616636.

Submission:

Labcorp Genetics (formerly Invitae), Labcorp
Classification: Uncertain significance for Primary immunodeficiency with post-measles-mumps-rubella vaccine viral infection. Last evaluated: 2022-07-20. Review status: criteria provided, single submitter. Criteria: Invitae Variant Classification Sherloc (09022015). Collection method: clinical testing. Allele origin: germline.
Comment: This variant has not been reported in the literature in individuals affected with STAT2-related conditions. This variant is not present in population databases (gnomAD no frequency). This sequence change replaces proline, which is neutral and non-polar, with arginine, which is basic and polar, at codon 657 of the STAT2 protein (p.Pro657Arg). In summary, the available evidence is currently insufficient to determine the role of this variant in disease. Therefore, it has been classified as a Variant of Uncertain Significance. Advanced modeling of protein sequence and biophysical properties (such as structural, functional, and spatial information, amino acid conservation, physicochemical variation, residue mobility, and thermodynamic stability) performed at Invitae indicates that this missense variant is expected to disrupt STAT2 protein function.